The following is an entry in ClinVar:

NM_033337.2(CAV3):c.216C>G (p.Cys72Trp)

Genes: CAV3 (caveolin 3; plus strand), OXTR (oxytocin receptor; minus strand). Cytogenetic location: 3p25.3.
Variant type: single nucleotide variant.
Coding change: c.216C>G on transcript NM_033337.2; coding-DNA position 216, C replaced by G.
Protein change: p.Cys72Trp; replaces cysteine 72 with tryptophan.
Molecular consequence: missense variant (on NM_033337.3).
Genome position (GRCh38, 1-based): chr3:8,745,627, C>G. VCF-style: chr3-8745627-C-G. GRCh37 (hg19) VCF-style: chr3-8787313-C-G.
Other names: c.216C>G, p.Cys72Trp (NM_001234.5, NM_033337.3); short protein forms C72W.
Identifiers: ClinVar variation 8279 (VCV000008279.117), dbSNP rs116840776, ClinGen allele CA175393.

ClinVar aggregate classification (germline): Conflicting classifications of pathogenicity. Review status: criteria provided, conflicting classifications (1 of 4 stars). 21 submissions from 21 submitters: Uncertain significance (1); Benign (5); Likely benign (11). 4 of the submissions do not count toward it. Last evaluated 2026-09-01.

Conditions:
CAV3-related disorder. Also called: CAV3-related condition.
Hypertrophic cardiomyopathy 1 (CMH1). Also called: MYH7-Related Familial Hypertrophic Cardiomyopathy; Familial hypertrophic cardiomyopathy 1. Identifiers: MedGen C3495498, MONDO:0008647, OMIM 192600.
Distal myopathy, Tateyama type (MPDT). Also called: CAV3-Related Distal Myopathy. Identifiers: Orphanet 488650, MedGen C3280443, MONDO:0013686, OMIM 614321.
Elevated circulating creatine kinase activity. Also called: Elevated creatine kinase; Elevated serum creatine phosphokinase; Elevated circulating creatine kinase concentration. Identifiers: MedGen C0241005, HP:0003236.
Rippling muscle disease 2 (RMD2). Also called: CAV3-Related Rippling Muscle Disease; Limb-girdle muscular dystrophy, type 1C. Identifiers: Orphanet 265, MedGen C1832560, MONDO:0019947, OMIM 606072.
Long QT syndrome 9 (LQT9). Identifiers: Orphanet 101016, Orphanet 768, MedGen C2678485, MONDO:0012736, OMIM 611818.
Cardiovascular phenotype. Identifiers: MedGen CN230736.
Caveolinopathy. Identifiers: Orphanet 207078, MedGen C5679790, MONDO:0016146.
Limb-girdle muscular dystrophy (LGMD). Also called: Muscular Dystrophies, Limb-Girdle. Identifiers: Orphanet 263, MedGen C0686353, MeSH D049288, MONDO:0016971, HP:0006785.
Long QT syndrome (LQTS). Identifiers: MedGen C0023976, MeSH D008133, MONDO:0002442. Disease mechanism: loss of function. Inheritance: Various modes of inheritance.
Cardiomyopathy (CMYO). Also called: Cardiomyopathies. Identifiers: Orphanet 167848, MedGen C0878544, MONDO:0004994, HP:0001638. Inheritance: Various modes of inheritance.
Long QT syndrome 1 (LQT1). Identifiers: Orphanet 101016, Orphanet 768, MedGen C4551647, MONDO:0100316, OMIM 192500, MONDO:0008646.

Allele frequency attached by ClinVar (database versions not stated): gnomAD exomes 0.00137 and 0.00222; gnomAD 0.00169 and 0.00164; 1000 Genomes Project 0.00100; TOPMed 0.00183; 1000 Genomes Project 30x 0.00094; ExAC 0.00112.
gnomAD v4.1: 3,508 of 1,614,132 alleles (0.22%); highest among the groups gnomAD compares: Non-Finnish European, 0.25%; 10 homozygotes.

Submissions (21):

CeGaT Center for Human Genetics Tuebingen
Classification: Likely benign. Last evaluated: 2026-09-01. Review status: criteria provided, single submitter. Criteria: CeGaT Center For Human Genetics Tuebingen Variant Classification Criteria Version 2. Collection method: clinical testing. Allele origin: germline. Affected: yes. Observed: 5 variant alleles.
Comment: CAV3: BS2

Labcorp Genetics (formerly Invitae), Labcorp
Classification: Likely benign for Long QT syndrome. Last evaluated: 2026-02-04. Review status: criteria provided, single submitter. Criteria: Invitae Variant Classification Sherloc (09022015). Collection method: clinical testing. Allele origin: germline.

Blueprint Genetics
Classification: Likely benign. Last evaluated: 2024-10-31. Review status: criteria provided, single submitter. Criteria: ACMG Guidelines, 2015. Collection method: clinical testing. Allele origin: germline.

Athena Diagnostics
Classification: Benign. Last evaluated: 2024-08-05. Review status: criteria provided, single submitter. Criteria: Athena Diagnostics Criteria. Collection method: clinical testing. Allele origin: unknown.

Mendelics
Classification: Benign for Long QT syndrome 1. Last evaluated: 2023-08-22. Review status: criteria provided, single submitter. Criteria: Mendelics Assertion Criteria 2019. Collection method: clinical testing. Allele origin: germline.

Molecular Genetics, Royal Melbourne Hospital
Classification: Likely benign for Caveolinopathy. Last evaluated: 2023-07-07. Review status: criteria provided, single submitter. Criteria: ACMG Guidelines, 2015. Collection method: clinical testing. Allele origin: germline. Inheritance: Autosomal dominant inheritance.

Women's Health and Genetics/Laboratory Corporation of America, LabCorp
Classification: Likely benign. Last evaluated: 2020-07-13. Review status: criteria provided, single submitter. Criteria: LabCorp Variant Classification Summary - May 2015. Collection method: clinical testing. Allele origin: germline.
Comment: Variant summary: CAV3 c.216C>G (p.Cys72Trp) results in a non-conservative amino acid change in the encoded protein sequence. Four of five in-silico tools predict a damaging effect of the variant on protein function. The variant allele was found at a frequency of 0.0014 in 283742 control chromosomes, predominantly at a frequency of 0.0023 within the South Asian subpopulation in the gnomAD database, including 1 homozygote. The observed variant frequency within South Asian control individuals in the gnomAD database is approximately 230 fold of the estimated maximal expected allele frequency for a pathogenic variant in CAV3 causing Arrhythmia phenotype (1e-05), strongly suggesting that the variant is a benign polymorphism found primarily in populations of South Asian origin. c.216C>G has been reported in the literature in individuals with Muscular dystrophy, Long QT syndrome, Sudden Arrhythmic Death Syndrome, Dilated cardiomyopathy or Hypertrophic cardiomyopathy (McNally_1998, Arnestad_2007, Vatta_2006, Pugh_2014, Nunn_2015, Rubattu_2016, Sanchez_2016, Minoche_2018). These reports do not provide unequivocal conclusions about association of the variant with Arrhythmia. In addition, co-occurrences with other pathogenic variants have been reported (MYBPC3 c.1483C>T, p.Arg495Trp; TTN c.69491_69492del, p.Val23164fs) (Rubattu_2016, Minoche_2018), providing supporting evidence for a benign role. At least one publication reports this variant has no impact on protein function (Cai_2009). Ten ClinVar submitters (evaluation after 2014) cites the variant as uncertain significance (3x), likely benign (5x) and benign (2x). Based on the evidence outlined above, the variant was classified as likely benign.

ARUP Laboratories, Molecular Genetics and Genomics, ARUP Laboratories
Classification: Likely benign. Last evaluated: 2020-02-12. Review status: criteria provided, single submitter. Criteria: ARUP Molecular Germline Variant Investigation Process. Collection method: clinical testing. Allele origin: germline.

CHEO Genetics Diagnostic Laboratory, Children's Hospital of Eastern Ontario
Classification: Likely benign for Cardiomyopathy. Last evaluated: 2019-11-27. Review status: criteria provided, single submitter. Criteria: ACMG Guidelines, 2015. Collection method: clinical testing. Allele origin: germline.

Center for Advanced Laboratory Medicine, UC San Diego Health, University of California San Diego
Classification: Likely benign for Cardiomyopathy. Last evaluated: 2019-03-18. Review status: criteria provided, single submitter. Criteria: ACMG Guidelines, 2015. Collection method: clinical testing. Allele origin: germline. Affected: yes. Observed: 1 variant allele.

GeneDx
Classification: Benign. Last evaluated: 2018-11-28. Review status: criteria provided, single submitter. Criteria: GeneDx Variant Classification Process June 2021. Collection method: clinical testing. Allele origin: germline. Affected: yes.
Comment: This variant is associated with the following publications: (PMID: 25630502, 31043699, 27600940, 25783436, 9536092, 23465283, 11251997)

Ambry Genetics
Classification: Likely benign for Cardiovascular phenotype. Last evaluated: 2018-09-07. Review status: criteria provided, single submitter. Criteria: Ambry Variant Classification Scheme 2023. Collection method: clinical testing. Allele origin: germline.

Laboratory for Molecular Medicine, Mass General Brigham Personalized Medicine
Classification: Benign. Last evaluated: 2018-04-09. Review status: criteria provided, single submitter. Criteria: LMM Criteria. Collection method: clinical testing. Allele origin: germline. Observed: 11 variant alleles.
Comment: proposed classification - variant undergoing re-assessment, contact laboratory

Illumina Laboratory Services, Illumina
Classification: Uncertain significance for Caveolinopathy. Last evaluated: 2017-04-27. Review status: criteria provided, single submitter. Criteria: ICSL Variant Classification Criteria 13 December 2019. Collection method: clinical testing. Allele origin: germline.
Comment: This variant was observed as part of a predisposition screen in an ostensibly healthy population. A literature search was performed for the gene, cDNA change, and amino acid change (where applicable). Publications were found based on this search. However, the evidence from the literature, in combination with allele frequency data from public databases where available, was not sufficient to rule this variant in or out of causing disease. Therefore, this variant is classified as a variant of unknown significance.

Molecular Diagnostic Laboratory for Inherited Cardiovascular Disease, Montreal Heart Institute
Classification: Likely benign. Last evaluated: 2016-12-07. Review status: criteria provided, single submitter. Criteria: ACMG Guidelines, 2015. Collection method: clinical testing. Allele origin: germline. Affected: yes.

Eurofins Ntd Llc (ga)
Classification: Benign. Last evaluated: 2014-07-07. Review status: criteria provided, single submitter. Criteria: EGL Classification Definitions 2015. Collection method: clinical testing. Allele origin: germline. Observed: 1 variant allele, 1 homozygote.

Biesecker Lab/Clinical Genomics Section, National Institutes of Health
Classification: Likely benign for Muscular dystrophy, limb girdle. Last evaluated: 2013-06-24. Review status: criteria provided, single submitter. Criteria: Ng et al. (Circ Cardiovasc Genet. 2013). Collection method: research. Allele origin: unknown. Observed: 6 variant alleles. Study: ClinSeq.
Comment: The study set was not selected for affection status in relation to any cancer. Pathogenicity categories were based on literature curation. See Pubmed ID:23861362 for details.

Medical sequencing

PreventionGenetics, part of Exact Sciences
Classification: Likely benign for CAV3-related condition. Last evaluated: 2019-11-05. Review status: no assertion criteria provided. Collection method: clinical testing. Allele origin: germline. Not counted in ClinVar's aggregate classification.
Comment: This variant is classified as likely benign based on ACMG/AMP sequence variant interpretation guidelines (Richards et al. 2015 PMID: 25741868, with internal and published modifications).

Division of Human Genetics, Children's Hospital of Philadelphia
Classification: Uncertain significance for Rippling muscle disease 2; Hypertrophic cardiomyopathy 1; Creatine phosphokinase, elevated serum; Long QT syndrome 9; Distal myopathy, Tateyama type. Last evaluated: 2016-03-16. Review status: no assertion criteria provided. Collection method: research. Allele origin: paternal. Affected: yes. Study: CSER-PediSeq. Not counted in ClinVar's aggregate classification.

Leiden Muscular Dystrophy (CAV3)
No classification provided. Last evaluated: 2012-04-15. Review status: no classification provided. Collection method: curation. Allele origin: germline. Not counted in ClinVar's aggregate classification.

OMIM
Classification: Pathogenic for RIPPLING MUSCLE DISEASE 2. Last evaluated: 2005-01-01. Review status: no assertion criteria provided. Collection method: literature only. Allele origin: germline. Not counted in ClinVar's aggregate classification.

Literature cited by the submitters: PubMed 25630502 (cited by Athena Diagnostics); PubMed 29961767 (cited by Athena Diagnostics and Women's Health and Genetics/Laboratory Corporation of America, LabCorp); PubMed 27930701 (cited by Athena Diagnostics and Women's Health and Genetics/Laboratory Corporation of America, LabCorp); PubMed 27483260 (cited by Athena Diagnostics and Women's Health and Genetics/Laboratory Corporation of America, LabCorp); PubMed 26498160 (cited by Athena Diagnostics and Women's Health and Genetics/Laboratory Corporation of America, LabCorp); PubMed 24503780 (cited by Athena Diagnostics and Women's Health and Genetics/Laboratory Corporation of America, LabCorp); PubMed 11251997 (cited by 5 submitters); PubMed 11884389 (cited by Athena Diagnostics and Women's Health and Genetics/Laboratory Corporation of America, LabCorp); PubMed 17060380 (cited by 4 submitters); PubMed 17210839 (cited by 4 submitters); PubMed 18509671 (cited by Athena Diagnostics); PubMed 19380584 (cited by 5 submitters); PubMed 9536092 (cited by 7 submitters); PubMed 23465283 (cited by 3 submitters); PubMed 15580566 (cited by OMIM); McNally, E. M. Personal Communication. 1998. Chicago, Ill. (cited by OMIM).